The following is an entry in ClinVar:

ClinVar aggregate classification (germline): Uncertain significance (1 of 4 stars; one submission).

Conditions:
Frontometaphyseal dysplasia 2 (FMD2). Identifiers: MedGen C4310697, MONDO:0014935, OMIM 617137.
Cardiospondylocarpofacial syndrome (CSCF). Identifiers: Orphanet 3238, MedGen C2931461, MONDO:0008005, OMIM 157800.

Submission:

Clinical Genomics Laboratory, Washington University in St. Louis
Classification: Uncertain significance for Cardiospondylocarpofacial syndrome; Frontometaphyseal dysplasia 2. Last evaluated: 2025-06-20. Review status: criteria provided, single submitter. Criteria: ACMG Guidelines, 2015. Collection method: clinical testing. Allele origin: germline.
Comment: The MAP3K7 c.1162A>G (p.Met388Val) variant, to our knowledge, has not been reported in the medical literature. This variant is absent from the general population (gnomAD v.4.1.0), indicating it is not a common variant. Computational predictors indicate that this variant would alter splicing, evidence that correlates to an impact of this variant MAP3K7 function. Due to limited information, and based on ACMG/AMP guidelines for variant interpretation (Richards S et al., PMID: 25741868), the clinical significance of this variant is uncertain at this time.

NM_145331.3(MAP3K7):c.1162A>G (p.Met388Val)

Gene: MAP3K7 (mitogen-activated protein kinase kinase kinase 7; minus strand). Cytogenetic location: 6q15.
Variant type: single nucleotide variant.
Coding change: c.1162A>G on transcript NM_145331.3 (MANE Select); coding-DNA position 1162, A replaced by G.
Protein change: p.Met388Val; replaces methionine 388 with valine.
Molecular consequence: missense variant.
Genome position (GRCh38, 1-based): chr6:90,547,306, T>C on the plus strand (A>G on the coding strand, the complement: MAP3K7 is on the minus strand). VCF-style: chr6-90547306-T-C. GRCh37 (hg19) VCF-style: chr6-91257025-T-C.
Other names: c.1162A>G, p.Met388Val (NM_003188.4, NM_145332.3, NM_145333.3); short protein forms M388V.
Identifiers: ClinVar variation 4279825 (VCV004279825.1).